The following is an entry in ClinVar:

NM_199420.4(POLQ):c.7313G>A (p.Gly2438Glu)

Gene: POLQ (DNA polymerase theta; minus strand). Cytogenetic location: 3q13.33.
Variant type: single nucleotide variant.
Coding change: c.7313G>A on transcript NM_199420.4 (MANE Select); coding-DNA position 7313, G replaced by A.
Protein change: p.Gly2438Glu; replaces glycine 2438 with glutamic acid.
Molecular consequence: missense variant.
Genome position (GRCh38, 1-based): chr3:121,440,068, C>T on the plus strand (G>A on the coding strand, the complement: POLQ is on the minus strand). VCF-style: chr3-121440068-C-T. GRCh37 (hg19) VCF-style: chr3-121158915-C-T.
Other names: short protein forms G2438E.
Identifiers: ClinVar variation 1758273 (VCV001758273.2), dbSNP rs2047577760, ClinGen allele CA354098532.
Genomic context (GRCh38, chr3:121,440,068, plus strand): 5'-GGGTTGTTGTCTTTGATTCCTGGCAAATATCTACGCCTTCCCAAAATGGTCTGAACAAAT[C>T]CGTCTCTTTTACAATTCTTCACTGTCTCTGTCATGAATTGATTAATCCCTACAAAGAAAA-3'
Protein context (NP_955452.3, residues 2428-2448): TETVKNCKRD[Gly2438Glu]FVQTILGRRR

ClinVar aggregate classification (germline): Uncertain significance (1 of 4 stars; one submission).

Allele frequency attached by ClinVar (database versions not stated): gnomAD exomes below 0.00001.
gnomAD v4.1: 1 of 1,610,030 alleles (0.000062%); highest among the groups gnomAD compares: South Asian, 0.0011%; no homozygotes.

Submission:

Ambry Genetics
Classification: Uncertain significance. Last evaluated: 2022-05-21. Review status: criteria provided, single submitter. Criteria: Ambry Variant Classification Scheme 2023. Collection method: clinical testing. Allele origin: germline.
Comment: The p.G2438E variant (also known as c.7313G>A), located in coding exon 27 of the POLQ gene, results from a G to A substitution at nucleotide position 7313. The glycine at codon 2438 is replaced by glutamic acid, an amino acid with similar properties. This amino acid position is conserved. In addition, this alteration is predicted to be deleterious by in silico analysis. Since supporting evidence is limited at this time, the clinical significance of this alteration remains unclear.